The following is an entry in ClinVar:

NM_206933.4(USH2A):c.1602_1603dup (p.Arg535fs)

Gene: USH2A (usherin; minus strand). Cytogenetic location: 1q41.
Variant type: Microsatellite.
Coding change: c.1602_1603dup on transcript NM_206933.4 (MANE Select); coding-DNA positions 1602 to 1603, 2 bases duplicated (TA; older notation c.1602_1603dupTA).
Protein change: p.Arg535fs; shifts the reading frame from arginine 535.
Molecular consequence: frameshift variant.
Genome position (GRCh38, 1-based): chr1:216,321,924-216,321,925, TA duplicated on the plus strand (TA on the coding strand, the reverse complement: USH2A is on the minus strand); duplicating any 2 consecutive bases within chr1:216,321,924-216,321,928 gives the same sequence; the c. name uses the placement nearest the transcript's 3' end. VCF-style (leftmost placement, unchanged base first): chr1-216321923-C-CTA. GRCh37 (hg19) VCF-style: chr1-216495265-C-CTA.
Other names: c.1602_1603dup, p.Arg535fs (NM_007123.6); short protein forms R535fs.
Identifiers: ClinVar variation 5015641 (VCV005015641.1).

ClinVar aggregate classification (germline): Pathogenic (1 of 4 stars; one submission).

Conditions:
USH2A-related disorder. Also called: USH2A-related condition; USH2A-related disorders. Identifiers: MedGen CN239332.

Submission:

Myriad Genetics, Inc.
Classification: Pathogenic for USH2A-related disorder. Last evaluated: 2026-03-04. Review status: criteria provided, single submitter. Criteria: Myriad Autosomal Dominant, Autosomal Recessive and X-Linked Classification Criteria (2023). Collection method: clinical testing. Allele origin: unknown.
Comment: NM_206933.2(USH2A):c.1602_1603dupTA(R535Ifs*57) is expected to be pathogenic in the context of USH2A-related disorders. This variant is predicted to lead to an abnormal or absent protein product due to the creation of a premature termination codon in USH2A, a gene where loss-of-function variants are known to be pathogenic. Please note: this variant was assessed in the context of healthy population screening.